The following is an entry in ClinVar:

ClinVar aggregate classification (germline): Pathogenic (1 of 4 stars; one submission).

Submission:

Labcorp Genetics (formerly Invitae), Labcorp
Classification: Pathogenic. Last evaluated: 2026-01-08. Review status: criteria provided, single submitter. Criteria: Invitae Variant Classification Sherloc (09022015). Collection method: clinical testing. Allele origin: germline.
Comment: This sequence change is expected to alter the c-terminus of the LRP5 protein (p.Tyr1573Ilefs*58). While this is not anticipated to result in nonsense mediated decay, it is expected to disrupt the last 43 amino acid(s) of the LRP5 protein and extend the protein by 14 additional amino acid residues. This variant is not present in population databases (gnomAD no frequency). This variant has not been reported in the literature in individuals affected with LRP5-related conditions. This variant disrupts a region of the LRP5 protein in which other variant(s) (p.Glu1597*) have been determined to be pathogenic (PMID: 30283887, 31106028). This suggests that this is a clinically significant region of the protein, and that variants that disrupt it are likely to be disease-causing. For these reasons, this variant has been classified as Pathogenic.

Literature cited by the submitters: PubMed 30283887; PubMed 31106028.

NM_002335.4(LRP5):c.4717del (p.Tyr1573fs)

Gene: LRP5 (LDL receptor related protein 5; plus strand). Cytogenetic location: 11q13.2.
Variant type: Deletion.
Coding change: c.4717del on transcript NM_002335.4 (MANE Select); coding-DNA position 4717, one base deleted (T; older notation c.4717delT).
Protein change: p.Tyr1573fs; shifts the reading frame from tyrosine 1573.
Molecular consequence: frameshift variant.
Genome position (GRCh38, 1-based): chr11:68,448,939, T deleted. VCF-style (leftmost placement, unchanged base first): chr11-68448938-CT-C. GRCh37 (hg19) VCF-style: chr11-68216406-CT-C.
Other names: c.2974del, p.Tyr992fs (NM_001291902.2); short protein forms Y1573fs, Y992fs.
Identifiers: ClinVar variation 4734916 (VCV004734916.1).